The following is an entry in ClinVar:

ClinVar aggregate classification (germline): Uncertain significance (1 of 4 stars; one submission).

Conditions:
Familial thoracic aortic aneurysm and aortic dissection (TAAD). Also called: Thoracic aortic aneurysms and dissections. Identifiers: Orphanet 91387, MedGen C4707243, MONDO:0019625.

Submission:

Ambry Genetics
Classification: Uncertain significance for Familial thoracic aortic aneurysm and aortic dissection. Last evaluated: 2024-10-04. Review status: criteria provided, single submitter. Criteria: Ambry Variant Classification Scheme 2023. Collection method: clinical testing. Allele origin: germline.
Comment: The p.V118L variant (also known as c.352G>T), located in coding exon 3 of the CBS gene, results from a G to T substitution at nucleotide position 352. The valine at codon 118 is replaced by leucine, an amino acid with highly similar properties. This amino acid position is highly conserved in available vertebrate species. In addition, this alteration is predicted to be deleterious by in silico analysis. Since supporting evidence is limited at this time, the clinical significance of this alteration remains unclear.

NM_000071.3(CBS):c.352G>T (p.Val118Leu)

Gene: CBS (cystathionine beta-synthase; minus strand). Cytogenetic location: 21q22.3.
Variant type: single nucleotide variant.
Coding change: c.352G>T on transcript NM_000071.3 (MANE Select); coding-DNA position 352, G replaced by T.
Protein change: p.Val118Leu; replaces valine 118 with leucine.
Molecular consequence: missense variant.
Genome position (GRCh38, 1-based): chr21:43,066,342, C>A on the plus strand (G>T on the coding strand, the complement: CBS is on the minus strand). VCF-style: chr21-43066342-C-A. GRCh37 (hg19) VCF-style: chr21-44486452-C-A.
Other names: c.352G>T, p.Val118Leu (NM_001178008.3, NM_001178009.3, NM_001320298.2); c.37G>T, p.Val13Leu (NM_001321072.1); short protein forms V118L, V13L.
Identifiers: ClinVar variation 1732354 (VCV001732354.3), dbSNP rs763385546, ClinGen allele CA410601886.